The following is an entry in ClinVar:

ClinVar aggregate classification (germline): Uncertain significance (1 of 4 stars; one submission).

Submission:

Labcorp Genetics (formerly Invitae), Labcorp
Classification: Uncertain significance. Last evaluated: 2022-06-13. Review status: criteria provided, single submitter. Criteria: Invitae Variant Classification Sherloc (09022015). Collection method: clinical testing. Allele origin: germline.
Comment: In summary, the available evidence is currently insufficient to determine the role of this variant in disease. Therefore, it has been classified as a Variant of Uncertain Significance. Algorithms developed to predict the effect of missense changes on protein structure and function are either unavailable or do not agree on the potential impact of this missense change (SIFT: "Deleterious"; PolyPhen-2: "Benign"; Align-GVGD: "Class C65"). This variant has not been reported in the literature in individuals affected with CACNA1F-related conditions. This variant is not present in population databases (gnomAD no frequency). This sequence change replaces glycine, which is neutral and non-polar, with cysteine, which is neutral and slightly polar, at codon 1620 of the CACNA1F protein (p.Gly1620Cys).

NM_001256789.3(CACNA1F):c.4825G>T (p.Gly1609Cys)

Genes: CACNA1F (calcium voltage-gated channel subunit alpha1 F; minus strand), LOC126863257 (BRD4-independent group 4 enhancer GRCh37_chrX:49065732-49066931; plus strand). Cytogenetic location: Xp11.23.
Variant type: single nucleotide variant.
Coding change: c.4825G>T on transcript NM_001256789.3 (MANE Select); coding-DNA position 4825, G replaced by T.
Protein change: p.Gly1609Cys; replaces glycine 1609 with cysteine.
Molecular consequence: missense variant.
Genome position (GRCh38, 1-based): chrX:49,209,390, C>A on the plus strand (G>T on the coding strand, the complement: CACNA1F is on the minus strand). VCF-style: chrX-49209390-C-A. GRCh37 (hg19) VCF-style: chrX-49065850-C-A.
Other names: c.4663G>T, p.Gly1555Cys (NM_001256790.3); c.4858G>T, p.Gly1620Cys (NM_005183.4); short protein forms G1620C, G1555C, G1609C.
Identifiers: ClinVar variation 1406120 (VCV001406120.8), dbSNP rs267606470, ClinGen allele CA329136789.